The following is an entry in ClinVar:

NM_020843.4(SCAPER):c.3347G>A (p.Cys1116Tyr)

Gene: SCAPER (S-phase cyclin A associated protein in the ER; minus strand). Cytogenetic location: 15q24.3.
Variant type: single nucleotide variant.
Coding change: c.3347G>A on transcript NM_020843.4 (MANE Select); coding-DNA position 3347, G replaced by A.
Protein change: p.Cys1116Tyr; replaces cysteine 1116 with tyrosine.
Molecular consequence: missense variant. On other transcripts: non-coding transcript variant (1).
Genome position (GRCh38, 1-based): chr15:76,404,644, C>T on the plus strand (G>A on the coding strand, the complement: SCAPER is on the minus strand). VCF-style: chr15-76404644-C-T. GRCh37 (hg19) VCF-style: chr15-76696985-C-T.
Other names: c.2609G>A, p.Cys870Tyr (NM_001145923.2); c.3365G>A, p.Cys1122Tyr (NM_001353009.2); c.2945G>A, p.Cys982Tyr (NM_001353010.2, NM_001353012.2); c.2963G>A, p.Cys988Tyr (NM_001353011.2); short protein forms C982Y, C988Y, C1116Y, C870Y, C1122Y.
Identifiers: ClinVar variation 5002206 (VCV005002206.1).

ClinVar aggregate classification (germline): Uncertain significance (1 of 4 stars; one submission).

Conditions:
SCAPER-related disorder. Also called: SCAPER-related condition.

gnomAD v4.1: 32 of 1,612,916 alleles (0.002%); highest among the groups gnomAD compares: Admixed American, 0.0033%; no homozygotes.

Submission:

PreventionGenetics, part of Exact Sciences
Classification: Uncertain significance for SCAPER-related condition. Last evaluated: 2026-06-16. Review status: criteria provided, single submitter. Criteria: ACMG Guidelines, 2015. Collection method: clinical testing. Allele origin: germline.
Comment: The SCAPER c.3365G>A variant is predicted to result in the amino acid substitution p.Cys1122Tyr. To our knowledge, this variant has not been reported in the literature. This variant is reported in 0.0078% of alleles in individuals of European (Non-Finnish) descent in gnomAD. At this time, the clinical significance of this variant is uncertain due to the absence of conclusive functional and genetic evidence.